The following is an entry in ClinVar:

NM_001005242.3(PKP2):c.2182C>G (p.Pro728Ala)

Gene: PKP2 (plakophilin 2; minus strand). Cytogenetic location: 12p11.21.
Variant type: single nucleotide variant.
Coding change: c.2182C>G on transcript NM_001005242.3 (MANE Select); coding-DNA position 2182, C replaced by G.
Protein change: p.Pro728Ala; replaces proline 728 with alanine.
Molecular consequence: missense variant. On other transcripts: intron variant (2).
Genome position (GRCh38, 1-based): chr12:32,796,284, G>C on the plus strand (C>G on the coding strand, the complement: PKP2 is on the minus strand). VCF-style: chr12-32796284-G-C. GRCh37 (hg19) VCF-style: chr12-32949218-G-C.
Other names: c.2017C>G, p.Pro673Ala (NM_001407156.1); c.1855C>G, p.Pro619Ala (NM_001407158.1, NM_001407159.1); c.2314C>G, p.Pro772Ala (NM_004572.4); c.2168-3553C>G (NM_001407155.1); c.1841-3553C>G (NM_001407160.1); short protein forms P619A, P673A, P728A, P772A.
Identifiers: ClinVar variation 3767522 (VCV003767522.1).

ClinVar aggregate classification (germline): Uncertain significance (1 of 4 stars; one submission).

Submission:

GeneDx
Classification: Uncertain significance. Last evaluated: 2024-09-10. Review status: criteria provided, single submitter. Criteria: GeneDx Variant Classification Process June 2021. Collection method: clinical testing. Allele origin: germline. Affected: yes.
Comment: Not observed at significant frequency in large population cohorts (gnomAD); In silico analysis supports that this missense variant has a deleterious effect on protein structure/function; Has not been previously published as pathogenic or benign to our knowledge